The following is an entry in ClinVar:

NM_006642.5(SDCCAG8):c.1160C>T (p.Ala387Val)

Gene: SDCCAG8 (SHH signaling and ciliogenesis regulator SDCCAG8; plus strand). Cytogenetic location: 1q43.
Variant type: single nucleotide variant.
Coding change: c.1160C>T on transcript NM_006642.5 (MANE Select); coding-DNA position 1160, C replaced by T.
Protein change: p.Ala387Val; replaces alanine 387 with valine.
Molecular consequence: missense variant.
Genome position (GRCh38, 1-based): chr1:243,330,631, C>T. VCF-style: chr1-243330631-C-T. GRCh37 (hg19) VCF-style: chr1-243493933-C-T.
Other names: c.257C>T, p.Ala86Val (NM_001350246.2, NM_001350247.2, NM_001350251.2); c.1256C>T, p.Ala419Val (NM_001350248.2); c.866C>T, p.Ala289Val (NM_001350249.2); short protein forms A289V, A387V, A419V, A86V.
Identifiers: ClinVar variation 3358152 (VCV003358152.1).

ClinVar aggregate classification (germline): Uncertain significance (0 of 4 stars; one submission).

Conditions:
SDCCAG8-related disorder. Also called: SDCCAG8-Related Disorders; SDCCAG8-related condition.

gnomAD v4.1: 9 of 1,613,860 alleles (0.00056%); highest among the groups gnomAD compares: South Asian, 0.0099%; no homozygotes.

Submission:

PreventionGenetics, part of Exact Sciences
Classification: Uncertain significance for SDCCAG8-related condition. Last evaluated: 2024-06-28. Review status: no assertion criteria provided. Collection method: clinical testing. Allele origin: germline.
Comment: The SDCCAG8 c.1160C>T variant is predicted to result in the amino acid substitution p.Ala387Val. To our knowledge, this variant has not been reported in the literature. This variant is reported in 0.0098% of alleles in individuals of South Asian descent in gnomAD. At this time, the clinical significance of this variant is uncertain due to the absence of conclusive functional and genetic evidence.